The following is an entry in ClinVar:

ClinVar aggregate classification (germline): Uncertain significance. Review status: criteria provided, multiple submitters, no conflicts (2 of 4 stars). 3 submissions from 3 submitters: Uncertain significance (3). Last evaluated 2025-10-03.

Conditions:
Dilated cardiomyopathy 1KK (CMD1KK). Identifiers: Orphanet 154, Orphanet 75249, MedGen C3714995, MONDO:0014100, OMIM 615248.
Cardiovascular phenotype. Identifiers: MedGen CN230736.

Allele frequency attached by ClinVar (database versions not stated): gnomAD 0.00001 and 0.00002; ExAC 0.00002; TOPMed 0.00002; gnomAD exomes 0.00003; ESP Exome Variant Server 0.00008.
gnomAD v4.1: 18 of 1,614,048 alleles (0.0011%); highest among the groups gnomAD compares: East Asian, 0.011%; no homozygotes.

Submissions (3):

Labcorp Genetics (formerly Invitae), Labcorp
Classification: Uncertain significance for Dilated cardiomyopathy 1KK. Last evaluated: 2025-10-03. Review status: criteria provided, single submitter. Criteria: Invitae Variant Classification Sherloc (09022015). Collection method: clinical testing. Allele origin: germline.
Comment: This sequence change replaces threonine, which is neutral and polar, with methionine, which is neutral and non-polar, at codon 730 of the MYPN protein (p.Thr730Met). This variant is present in population databases (rs373040567, gnomAD 0.02%). This variant has not been reported in the literature in individuals affected with MYPN-related conditions. ClinVar contains an entry for this variant (Variation ID: 432621). An algorithm developed to predict the effect of missense changes on protein structure and function outputs the following: PolyPhen-2: "Benign". The methionine amino acid residue is found in multiple mammalian species, which suggests that this missense change does not adversely affect protein function. In summary, the available evidence is currently insufficient to determine the role of this variant in disease. Therefore, it has been classified as a Variant of Uncertain Significance.

Ambry Genetics
Classification: Uncertain significance for Cardiovascular phenotype. Last evaluated: 2024-08-10. Review status: criteria provided, single submitter. Criteria: Ambry Variant Classification Scheme 2023. Collection method: clinical testing. Allele origin: germline.

GeneDx
Classification: Uncertain significance. Last evaluated: 2017-06-12. Review status: criteria provided, single submitter. Criteria: GeneDx Variant Classification (06012015). Collection method: clinical testing. Allele origin: germline. Affected: yes.
Comment: The T730M variant hasnot been published as pathogenic or been reported as benign to our knowledge. This variant is observedin 3/121404 alleles globally in the ExAC dataset (Lek et al., 2016; 1000 Genomes Consortium et al.,2015; Exome Variant Server). The T730M variant is a non-conservative amino acid substitution,which is likely to impact secondary protein structure as these residues differ in polarity, charge, sizeand/or other properties. However, this substitution occurs at a position that is not conserved acrossspecies, and two of three in silico models predict this variant likely does not alter the proteinstructure/function.

NM_032578.4(MYPN):c.2189C>T (p.Thr730Met)

Gene: MYPN (myopalladin; plus strand). Cytogenetic location: 10q21.3.
Variant type: single nucleotide variant.
Coding change: c.2189C>T on transcript NM_032578.4 (MANE Select); coding-DNA position 2189, C replaced by T.
Protein change: p.Thr730Met; replaces threonine 730 with methionine.
Molecular consequence: missense variant. On other transcripts: non-coding transcript variant (2).
Genome position (GRCh38, 1-based): chr10:68,174,281, C>T. VCF-style: chr10-68174281-C-T. GRCh37 (hg19) VCF-style: chr10-69934038-C-T.
Other names: c.2189C>T, p.Thr730Met (NM_001256267.2); c.1307C>T, p.Thr436Met (NM_001256268.2); short protein forms T730M, T436M.
Identifiers: ClinVar variation 432621 (VCV000432621.10), dbSNP rs373040567, ClinGen allele CA5522751.